The following is an entry in ClinVar:

ClinVar aggregate classification (germline): Pathogenic (1 of 4 stars; one submission).

Conditions:
Saethre-Chotzen syndrome (SCS). Also called: ACROCEPHALY, SKULL ASYMMETRY, AND MILD SYNDACTYLY; ACS III; CHOTZEN SYNDROME. Identifiers: Orphanet 794, MedGen C0175699, MONDO:0007042, OMIM 101400.
TWIST1-related craniosynostosis (CRS1). Also called: CRANIOSYNOSTOSIS 1. Identifiers: Orphanet 63440, MedGen C4551902, MONDO:0007399, OMIM 123100. Inheritance: Heterogenous inheritance pattern.

Submission:

Labcorp Genetics (formerly Invitae), Labcorp
Classification: Pathogenic for TWIST1-related craniosynostosis; Saethre-Chotzen syndrome. Last evaluated: 2025-03-18. Review status: criteria provided, single submitter. Criteria: Invitae Variant Classification Sherloc (09022015). Collection method: clinical testing. Allele origin: germline.
Comment: This sequence change creates a premature translational stop signal (p.Gln122*) in the TWIST1 gene. It is expected to result in an absent or disrupted protein product. Loss-of-function variants in TWIST1 are known to be pathogenic (PMID: 10749989). This variant is not present in population databases (gnomAD no frequency). This premature translational stop signal has been observed in individual(s) with clinical features of TWIST1-related conditions (PMID: 9585583). For these reasons, this variant has been classified as Pathogenic.

Literature cited by the submitters: PubMed 10749989; PubMed 9585583.

NM_000474.4(TWIST1):c.364C>T (p.Gln122Ter)

Gene: TWIST1 (twist family bHLH transcription factor 1; minus strand). Cytogenetic location: 7p21.1.
Variant type: single nucleotide variant.
Coding change: c.364C>T on transcript NM_000474.4 (MANE Select); coding-DNA position 364, C replaced by T.
Protein change: p.Gln122Ter; replaces glutamine 122 with a stop codon.
Molecular consequence: nonsense. On other transcripts: non-coding transcript variant (1).
Genome position (GRCh38, 1-based): chr7:19,116,958, G>A on the plus strand (C>T on the coding strand, the complement: TWIST1 is on the minus strand). VCF-style: chr7-19116958-G-A. GRCh37 (hg19) VCF-style: chr7-19156581-G-A.
Other names: short protein forms Q122*.
Identifiers: ClinVar variation 4783656 (VCV004783656.1).
Genomic context (GRCh38, chr7:19,116,958, plus strand): 5'-TGTCCGAGGGCAGCGTGGGGATGATCTTCCGCAGCGCGGCGAACGCCTCGTTCAGCGACT[G>A]GGTGCGCTGGCGCTCCCGCACGTTGGCCATGACCCGCTGCGTCTGCAGCTCCTCGTAAGA-3'